The following is an entry in ClinVar:

ClinVar aggregate classification (germline): Uncertain significance (1 of 4 stars; one submission).

Conditions:
Long QT syndrome (LQTS). Identifiers: MedGen C0023976, MeSH D008133, MONDO:0002442. Disease mechanism: loss of function. Inheritance: Various modes of inheritance.

Submission:

Labcorp Genetics (formerly Invitae), Labcorp
Classification: Uncertain significance for Long QT syndrome. Last evaluated: 2022-06-13. Review status: criteria provided, single submitter. Criteria: Invitae Variant Classification Sherloc (09022015). Collection method: clinical testing. Allele origin: germline.
Comment: This sequence change creates a premature translational stop signal (p.Thr690Argfs*4) in the AKAP9 gene. It is expected to result in an absent or disrupted protein product. However, the current clinical and genetic evidence is not sufficient to establish whether loss-of-function variants in AKAP9 cause disease. This variant is not present in population databases (gnomAD no frequency). This variant has not been reported in the literature in individuals affected with AKAP9-related conditions. ClinVar contains an entry for this variant (Variation ID: 641446). In summary, the available evidence is currently insufficient to determine the role of this variant in disease. Therefore, it has been classified as a Variant of Uncertain Significance.

NM_005751.5(AKAP9):c.2069_2075del (p.Thr690fs)

Gene: AKAP9 (A-kinase anchoring protein 9; plus strand). Cytogenetic location: 7q21.2.
Variant type: Deletion.
Coding change: c.2069_2075del on transcript NM_005751.5 (MANE Select); coding-DNA positions 2069 to 2075, 7 bases deleted (CTAAGCA; older notation c.2069_2075delCTAAGCA).
Protein change: p.Thr690fs; shifts the reading frame from threonine 690.
Molecular consequence: frameshift variant.
Genome position (GRCh38, 1-based): chr7:92,001,986-92,001,992, CTAAGCA deleted; deleting any 7 consecutive bases within chr7:92,001,985-92,001,992 gives the same sequence; the c. name uses the placement nearest the transcript's 3' end. VCF-style (leftmost placement, unchanged base first): chr7-92001984-AACTAAGC-A. GRCh37 (hg19) VCF-style: chr7-91631298-AACTAAGC-A.
Other names: c.2069_2075del, p.Thr690fs (NM_147185.3); c.2069_2075delCTAAGCA (NM_005751.4); short protein forms T690fs.
Identifiers: ClinVar variation 641446 (VCV000641446.6), dbSNP rs1584040367, ClinGen allele CA915945336.